The following is an entry in ClinVar:

NM_005670.4(EPM2A):c.767T>C (p.Leu256Pro)

Gene: EPM2A (EPM2A glucan phosphatase, laforin; minus strand). Cytogenetic location: 6q24.3.
Variant type: single nucleotide variant.
Coding change: c.767T>C on transcript NM_005670.4 (MANE Select); coding-DNA position 767, T replaced by C.
Protein change: p.Leu256Pro; replaces leucine 256 with proline.
Molecular consequence: missense variant. On other transcripts: synonymous variant (1), non-coding transcript variant (1).
Genome position (GRCh38, 1-based): chr6:145,627,645, A>G on the plus strand (T>C on the coding strand, the complement: EPM2A is on the minus strand). VCF-style: chr6-145627645-A-G. GRCh37 (hg19) VCF-style: chr6-145948781-A-G.
Other names: c.767T>C, p.Leu256Pro (NM_001018041.2); c.525T>C, p.Ala175= (NM_001360057.2); c.353T>C, p.Leu118Pro (NM_001360064.2, NM_001360071.2, NM_001368131.1); c.305T>C, p.Leu102Pro (NM_001368129.2, NM_001368132.1); short protein forms L102P, L256P, L118P.
Identifiers: ClinVar variation 1501357 (VCV001501357.6), dbSNP rs2128556216, ClinGen allele CA366190393.

ClinVar aggregate classification (germline): Uncertain significance (1 of 4 stars; one submission).

Conditions:
Progressive myoclonic epilepsy. Also called: Familial progressive myoclonic epilepsy; Myoclonus epilepsy; Progressive myoclonus epilepsy; Myoclonic Epilepsies, Progressive. Identifiers: Orphanet 308, Orphanet 98261, MedGen C0751778, MONDO:0020074.

Submission:

Labcorp Genetics (formerly Invitae), Labcorp
Classification: Uncertain significance for Progressive myoclonic epilepsy. Last evaluated: 2022-10-13. Review status: criteria provided, single submitter. Criteria: Invitae Variant Classification Sherloc (09022015). Collection method: clinical testing. Allele origin: germline.
Comment: This sequence change replaces leucine, which is neutral and non-polar, with proline, which is neutral and non-polar, at codon 256 of the EPM2A protein (p.Leu256Pro). This variant is not present in population databases (gnomAD no frequency). This variant has not been reported in the literature in individuals affected with EPM2A-related conditions. ClinVar contains an entry for this variant (Variation ID: 1501357). Algorithms developed to predict the effect of missense changes on protein structure and function (SIFT, PolyPhen-2, Align-GVGD) all suggest that this variant is likely to be disruptive. In summary, the available evidence is currently insufficient to determine the role of this variant in disease. Therefore, it has been classified as a Variant of Uncertain Significance.